The following is an entry in ClinVar:

NM_001846.4(COL4A2):c.733G>A (p.Val245Ile)

Gene: COL4A2 (collagen type IV alpha 2 chain; plus strand). Cytogenetic location: 13q34.
Variant type: single nucleotide variant.
Coding change: c.733G>A on transcript NM_001846.4 (MANE Select); coding-DNA position 733, G replaced by A.
Protein change: p.Val245Ile; replaces valine 245 with isoleucine.
Molecular consequence: missense variant.
Genome position (GRCh38, 1-based): chr13:110,436,275, G>A. VCF-style: chr13-110436275-G-A. GRCh37 (hg19) VCF-style: chr13-111088622-G-A.
Other names: c.733G>A (NM_001846.3, NM_001846.2); short protein forms V245I.
Identifiers: ClinVar variation 1496919 (VCV001496919.10), dbSNP rs371879428, ClinGen allele CA7049094.

ClinVar aggregate classification (germline): Uncertain significance. Review status: criteria provided, multiple submitters, no conflicts (2 of 4 stars). 3 submissions from 3 submitters: Uncertain significance (3). Last evaluated 2025-04-26.

Conditions:
Inborn genetic diseases. Identifiers: MedGen C0950123, MeSH D030342.
COL4A2-related disorder. Also called: COL4A2-related disorders; COL4A2-related condition.

Allele frequency attached by ClinVar (database versions not stated): gnomAD exomes 0.00002 and 0.00005; TOPMed 0.00003; ExAC 0.00004; ESP Exome Variant Server 0.00017; gnomAD 0.00002.
gnomAD v4.1: 68 of 1,613,730 alleles (0.0042%); highest among the groups gnomAD compares: Non-Finnish European, 0.0053%; no homozygotes.

Submissions (3):

Labcorp Genetics (formerly Invitae), Labcorp
Classification: Uncertain significance. Last evaluated: 2025-04-26. Review status: criteria provided, single submitter. Criteria: Invitae Variant Classification Sherloc (09022015). Collection method: clinical testing. Allele origin: germline.
Comment: This sequence change replaces valine, which is neutral and non-polar, with isoleucine, which is neutral and non-polar, at codon 245 of the COL4A2 protein (p.Val245Ile). This variant is present in population databases (rs371879428, gnomAD 0.006%). This variant has not been reported in the literature in individuals affected with COL4A2-related conditions. ClinVar contains an entry for this variant (Variation ID: 1496919). Invitae Evidence Modeling of protein sequence and biophysical properties (such as structural, functional, and spatial information, amino acid conservation, physicochemical variation, residue mobility, and thermodynamic stability) indicates that this missense variant is not expected to disrupt COL4A2 protein function with a negative predictive value of 95%. In summary, the available evidence is currently insufficient to determine the role of this variant in disease. Therefore, it has been classified as a Variant of Uncertain Significance.

Ambry Genetics
Classification: Uncertain significance for Inborn genetic diseases. Last evaluated: 2024-03-12. Review status: criteria provided, single submitter. Criteria: Ambry Variant Classification Scheme 2023. Collection method: clinical testing. Allele origin: germline.

PreventionGenetics, part of Exact Sciences
Classification: Uncertain significance for COL4A2-related condition. Last evaluated: 2023-09-11. Review status: criteria provided, single submitter. Criteria: ACMG Guidelines, 2015. Collection method: clinical testing. Allele origin: germline.
Comment: The COL4A2 c.733G>A variant is predicted to result in the amino acid substitution p.Val245Ile. To our knowledge, this variant has not been reported in the literature. This variant is reported in 0.0051% of alleles in individuals of East Asian descent in gnomAD. At this time, the clinical significance of this variant is uncertain due to the absence of conclusive functional and genetic evidence.